The following is an entry in ClinVar:

NM_000049.4(ASPA):c.341A>C (p.Asp114Ala)

Genes: ASPA (aspartoacylase; plus strand), SPATA22 (spermatogenesis associated 22; minus strand). Cytogenetic location: 17p13.2.
Variant type: single nucleotide variant.
Coding change: c.341A>C on transcript NM_000049.4 (MANE Select); coding-DNA position 341, A replaced by C.
Protein change: p.Asp114Ala; replaces aspartic acid 114 with alanine.
Molecular consequence: missense variant. On other transcripts: intron variant (2).
Genome position (GRCh38, 1-based): chr17:3,481,707, A>C. VCF-style: chr17-3481707-A-C. GRCh37 (hg19) VCF-style: chr17-3385001-A-C.
Other names: c.341A>C, p.Asp114Ala (NM_001128085.1); c.-73-12309T>G (NM_001321336.2, NM_001321337.2); short protein forms D114A.
Identifiers: ClinVar variation 1027632 (VCV001027632.9), dbSNP rs2073632657, ClinGen allele CA397682290.

ClinVar aggregate classification (germline): Conflicting classifications of pathogenicity. Review status: criteria provided, conflicting classifications (1 of 4 stars). 2 submissions from 2 submitters: Likely pathogenic (1); Uncertain significance (1). Last evaluated 2021-03-04.

Conditions:
Spongy degeneration of central nervous system. Also called: ACY2 DEFICIENCY; AMINOACYLASE 2 DEFICIENCY; ASP DEFICIENCY; ASPA DEFICIENCY; ASPARTOACYLASE DEFICIENCY; CANAVAN-VAN BOGAERT-BERTRAND DISEASE. Identifiers: Orphanet 141, MedGen C0206307, MONDO:0010079, OMIM 271900.

Submissions (2):

Women's Health and Genetics/Laboratory Corporation of America, LabCorp
Classification: Uncertain significance. Last evaluated: 2021-03-04. Review status: criteria provided, single submitter. Criteria: LabCorp Variant Classification Summary - May 2015. Collection method: clinical testing. Allele origin: germline.
Comment: Variant summary: ASPA c.341A>C (p.Asp114Ala) results in a non-conservative amino acid change in the encoded protein sequence. Five of five in-silico tools predict a damaging effect of the variant on protein function. The variant was absent in 251056 control chromosomes (gnomAD). The available data on variant occurrences in the general population are insufficient to allow any conclusion about variant significance. To our knowledge, no occurrence of c.341A>C in individuals affected with Canavan Disease and no experimental evidence demonstrating its impact on protein function have been reported. No clinical diagnostic laboratories have submitted clinical-significance assessments for this variant to ClinVar after 2014. Other missense variants affecting the same codon (example: p.D114E and p.D114Y) have been reported in both HGMD and ClinVar databases suggesting this residue may be clinically significant. Based on the evidence outlined above, the variant was classified as uncertain significance.

Labcorp Genetics (formerly Invitae), Labcorp
Classification: Likely pathogenic for Spongy degeneration of central nervous system. Last evaluated: 2021-02-11. Review status: criteria provided, single submitter. Criteria: Invitae Variant Classification Sherloc (09022015). Collection method: clinical testing. Allele origin: germline.
Comment: In summary, the currently available evidence indicates that the variant is pathogenic, but additional data are needed to prove that conclusively. Therefore, this variant has been classified as Likely Pathogenic. This variant disrupts the p.Asp114 amino acid residue in ASPA. Other variant(s) that disrupt this residue have been determined to be pathogenic (PMID: 12205125, Invitae). This suggests that this residue is clinically significant, and that variants that disrupt this residue are likely to be disease-causing. Advanced modeling of protein sequence and biophysical properties (such as structural, functional, and spatial information, amino acid conservation, physicochemical variation, residue mobility, and thermodynamic stability) performed at Invitae indicates that this missense variant is expected to disrupt ASPA protein function. This variant has not been reported in the literature in individuals with ASPA-related conditions. This variant is not present in population databases (ExAC no frequency). This sequence change replaces aspartic acid with alanine at codon 114 of the ASPA protein (p.Asp114Ala). The aspartic acid residue is highly conserved and there is a moderate physicochemical difference between aspartic acid and alanine.

Literature cited by the submitters: PubMed 12205125 (cited by Labcorp Genetics (formerly Invitae), Labcorp).